The following is an entry in ClinVar:

NM_004082.5(DCTN1):c.1873C>T (p.Gln625Ter)

Gene: DCTN1 (dynactin subunit 1; minus strand). Cytogenetic location: 2p13.1.
Variant type: single nucleotide variant.
Coding change: c.1873C>T on transcript NM_004082.5 (MANE Select); coding-DNA position 1873, C replaced by T.
Protein change: p.Gln625Ter; replaces glutamine 625 with a stop codon.
Molecular consequence: nonsense. On other transcripts: non-coding transcript variant (1).
Genome position (GRCh38, 1-based): chr2:74,368,113, G>A on the plus strand (C>T on the coding strand, the complement: DCTN1 is on the minus strand). VCF-style: chr2-74368113-G-A. GRCh37 (hg19) VCF-style: chr2-74595240-G-A.
Other names: c.1813C>T, p.Gln605Ter (NM_001135040.3); c.1471C>T, p.Gln491Ter (NM_001135041.3, NM_023019.4); c.1762C>T, p.Gln588Ter (NM_001190836.2); c.1852C>T, p.Gln618Ter (NM_001190837.2); c.1822C>T, p.Gln608Ter (NM_001378991.1); c.1804C>T, p.Gln602Ter (NM_001378992.1); short protein forms Q491*, Q588*, Q602*, Q618*, Q625*, Q605*, Q608*.
Identifiers: ClinVar variation 949985 (VCV000949985.8), dbSNP rs1674561364, ClinGen allele CA347352692.

ClinVar aggregate classification (germline): Uncertain significance (1 of 4 stars; one submission).

Conditions:
Amyotrophic lateral sclerosis type 1 (ALS1). Also called: AMYOTROPHIC LATERAL SCLEROSIS 1, FAMILIAL. Identifiers: Orphanet 803, MedGen C1862939, MONDO:0007103, OMIM 105400.
Perry syndrome. Also called: PARKINSONISM WITH ALVEOLAR HYPOVENTILATION AND MENTAL DEPRESSION. Identifiers: Orphanet 178509, MedGen C1868594, MONDO:0008201, OMIM 168605.
Neuronopathy, distal hereditary motor, type 7B. Also called: LOWER MOTOR NEURON DISEASE, DYNACTIN TYPE; NEURONOPATHY, DISTAL HEREDITARY MOTOR, AUTOSOMAL DOMINANT 14; NEURONOPATHY, DISTAL HEREDITARY MOTOR, HARDING TYPE VIIB; NEUROPATHY, DISTAL HEREDITARY MOTOR, HARDING TYPE VIIB; NEUROPATHY, DISTAL HEREDITARY MOTOR, WITH VOCAL CORD PARALYSIS, HARDING TYPE VIIB; Distal Hereditary Motor Neuronopathy Type 7B (dHMN7B). Identifiers: Orphanet 139589, MedGen C1843315, MONDO:0011879, OMIM 607641.

Allele frequency attached by ClinVar (database versions not stated): gnomAD exomes below 0.00001.
gnomAD v4.1: 2 of 1,593,474 alleles (0.00013%); highest among the groups gnomAD compares: Non-Finnish European, 0.00017%; no homozygotes.

Submission:

Labcorp Genetics (formerly Invitae), Labcorp
Classification: Uncertain significance for Amyotrophic lateral sclerosis type 1; Neuronopathy, distal hereditary motor, type 7B; Perry syndrome. Last evaluated: 2023-04-28. Review status: criteria provided, single submitter. Criteria: Invitae Variant Classification Sherloc (09022015). Collection method: clinical testing. Allele origin: germline.
Comment: In summary, the available evidence is currently insufficient to determine the role of this variant in disease. Therefore, it has been classified as a Variant of Uncertain Significance. ClinVar contains an entry for this variant (Variation ID: 949985). This variant has not been reported in the literature in individuals affected with DCTN1-related conditions. This variant is not present in population databases (gnomAD no frequency). This sequence change creates a premature translational stop signal (p.Gln625*) in the DCTN1 gene. It is expected to result in an absent or disrupted protein product. However, the current clinical and genetic evidence is not sufficient to establish whether loss-of-function variants in DCTN1 cause disease.